The following is an entry in ClinVar:

ClinVar aggregate classification (germline): Uncertain significance (1 of 4 stars; one submission).

Conditions:
Pitt-Hopkins-like syndrome 2 (PTHSL2). Identifiers: Orphanet 221150, Orphanet 600663, MedGen C3280479, MONDO:0013690, OMIM 614325.

Submission:

Labcorp Genetics (formerly Invitae), Labcorp
Classification: Uncertain significance for Pitt-Hopkins-like syndrome 2. Last evaluated: 2019-09-02. Review status: criteria provided, single submitter. Criteria: Invitae Variant Classification Sherloc (09022015). Collection method: clinical testing. Allele origin: germline.
Comment: This sequence change replaces asparagine with isoleucine at codon 190 of the NRXN1 protein (p.Asn190Ile). The asparagine residue is highly conserved and there is a large physicochemical difference between asparagine and isoleucine. This variant is not present in population databases (ExAC no frequency). This variant has not been reported in the literature in individuals with NRXN1-related conditions. Algorithms developed to predict the effect of missense changes on protein structure and function are either unavailable or do not agree on the potential impact of this missense change (SIFT: "Deleterious"; PolyPhen-2: "Possibly Damaging"; Align-GVGD: "Class C0"). In summary, the available evidence is currently insufficient to determine the role of this variant in disease. Therefore, it has been classified as a Variant of Uncertain Significance.

NM_001330078.2(NRXN1):c.569A>T (p.Asn190Ile)

Gene: NRXN1 (neurexin 1; minus strand). Cytogenetic location: 2p16.3.
Variant type: single nucleotide variant.
Coding change: c.569A>T on transcript NM_001330078.2 (MANE Select); coding-DNA position 569, A replaced by T.
Protein change: p.Asn190Ile; replaces asparagine 190 with isoleucine.
Molecular consequence: missense variant.
Genome position (GRCh38, 1-based): chr2:51,027,705, T>A on the plus strand (A>T on the coding strand, the complement: NRXN1 is on the minus strand). VCF-style: chr2-51027705-T-A. GRCh37 (hg19) VCF-style: chr2-51254843-T-A.
Other names: c.569A>T, p.Asn190Ile (NM_001135659.3, NM_001330077.2, NM_001330079.2 and 15 more transcripts); short protein forms N190I.
Identifiers: ClinVar variation 940505 (VCV000940505.1), dbSNP rs200792504, ClinGen allele CA346823738.